The following is an entry in ClinVar:

ClinVar aggregate classification (germline): Uncertain significance. Review status: criteria provided, multiple submitters, no conflicts (2 of 4 stars). 3 submissions from 3 submitters: Uncertain significance (2). 1 of the submissions does not count toward it. Last evaluated 2025-12-22.

Conditions:
Schaaf-Yang syndrome (SHFYNG). Also called: Arthrogryposis, distal, with hypopituitarism, intellectual disability, and facial anomalies; MAGEL2-related Prader-Willi-like syndrome. Identifiers: Orphanet 398069, MedGen C5575066, MONDO:0014243, OMIM 615547.
MAGEL2-related disorder. Also called: MAGEL2-related condition.

Submissions (3):

GeneDx
Classification: Uncertain significance. Last evaluated: 2025-12-22. Review status: criteria provided, single submitter. Criteria: GeneDx Variant Classification Process June 2021. Collection method: clinical testing. Allele origin: germline. Affected: yes.
Comment: In-frame duplication of 7 amino acid(s) in a non-repeat region; Has not been previously published as pathogenic or benign to our knowledge

Institute of Human Genetics, Clinical Exome/Genome Diagnostics Group, University Hospital Bonn
Classification: Uncertain significance for Schaaf-Yang syndrome. Last evaluated: 2021-09-06. Review status: criteria provided, single submitter. Criteria: ACMG Guidelines, 2015. Collection method: clinical testing. Allele origin: germline. Affected: yes.
Comment: PM4

PreventionGenetics, part of Exact Sciences
Classification: Uncertain significance for MAGEL2-related condition. Last evaluated: 2023-11-06. Review status: no assertion criteria provided. Collection method: clinical testing. Allele origin: germline. Not counted in ClinVar's aggregate classification.
Comment: The MAGEL2 c.2212_2232dup21 variant is predicted to result in an in-frame duplication (p.Ser738_Ala744dup). To our knowledge, this variant has not been reported in the literature. This variant is reported in 0.0031% of alleles in individuals of European (Non-Finnish) descent in gnomAD. At this time, the clinical significance of this variant is uncertain due to the absence of conclusive functional and genetic evidence.

NM_019066.5(MAGEL2):c.2212_2232dup (p.Ser738_Ala744dup)

Gene: MAGEL2 (MAGE family member L2; minus strand). Cytogenetic location: 15q11.2.
Variant type: Duplication.
Coding change: c.2212_2232dup on transcript NM_019066.5 (MANE Select); coding-DNA positions 2212 to 2232, 21 bases duplicated (TCCTCGAAGGAGCGCAGGGCC).
Protein change: p.Ser738_Ala744dup.
Molecular consequence: inframe insertion.
Genome position (GRCh38, 1-based): chr15:23,645,511-23,645,531, GGCCCTGCGCTCCTTCGAGGA duplicated on the plus strand (TCCTCGAAGGAGCGCAGGGCC on the coding strand, the reverse complement: MAGEL2 is on the minus strand); duplicating any 21 consecutive bases within chr15:23,645,511-23,645,533 gives the same sequence; the c. name uses the placement nearest the transcript's 3' end. VCF-style (leftmost placement, unchanged base first): chr15-23645510-G-GGGCCCTGCGCTCCTTCGAGGA. GRCh37 (hg19) VCF-style: chr15-23890657-G-GGGCCCTGCGCTCCTTCGAGGA.
Other names: c.2212_2232dup21 (NM_019066.4); c.2212_2232dup (NM_019066.4).
Identifiers: ClinVar variation 1197059 (VCV001197059.5), dbSNP rs768384701, ClinGen allele CA7429930.
Genomic context (GRCh38, chr15:23,645,510, plus strand): 5'-CAGCTGACACTGCCTTGGGAGCACAGAAGGTGGCAGCAAAGATCATGCGGTCTTTTGAAG[G>GGGCCCTGCGCTCCTTCGAGGA]GGCCCTGCGCTCCTTCGAGGAGGTCCTGCGCTCTTTAGAGGAGCCCCTGCGGTCTATAGA-3'